The following is an entry in ClinVar:

NM_020821.3(VPS13C):c.5083A>G (p.Lys1695Glu)

Gene: VPS13C (vacuolar protein sorting 13 homolog C; minus strand). Cytogenetic location: 15q22.2.
Variant type: single nucleotide variant.
Coding change: c.5083A>G on transcript NM_020821.3 (MANE Select); coding-DNA position 5083, A replaced by G.
Protein change: p.Lys1695Glu; replaces lysine 1695 with glutamic acid.
Molecular consequence: missense variant.
Genome position (GRCh38, 1-based): chr15:61,945,780, T>C on the plus strand (A>G on the coding strand, the complement: VPS13C is on the minus strand). VCF-style: chr15-61945780-T-C. GRCh37 (hg19) VCF-style: chr15-62237979-T-C.
Other names: c.5083A>G, p.Lys1695Glu (NM_001018088.3); c.4954A>G, p.Lys1652Glu (NM_017684.5, NM_018080.4); c.5083A>G (NM_020821.2); short protein forms K1652E, K1695E.
Identifiers: ClinVar variation 1478049 (VCV001478049.7), dbSNP rs928646469, ClinGen allele CA271912853.

ClinVar aggregate classification (germline): Uncertain significance. Review status: criteria provided, multiple submitters, no conflicts (2 of 4 stars). 2 submissions from 2 submitters: Uncertain significance (2). Last evaluated 2021-08-26.

Conditions:
Inborn genetic diseases. Identifiers: MedGen C0950123, MeSH D030342.

Allele frequency attached by ClinVar (database versions not stated): gnomAD exomes below 0.00001 and 0.00001; TOPMed 0.00002.
gnomAD v4.1: 7 of 1,611,648 alleles (0.00043%); highest among the groups gnomAD compares: Admixed American, 0.005%; no homozygotes.

Submissions (2):

Labcorp Genetics (formerly Invitae), Labcorp
Classification: Uncertain significance. Last evaluated: 2021-08-26. Review status: criteria provided, single submitter. Criteria: Invitae Variant Classification Sherloc (09022015). Collection method: clinical testing. Allele origin: germline.
Comment: This variant has not been reported in the literature in individuals affected with VPS13C-related conditions. In summary, the available evidence is currently insufficient to determine the role of this variant in disease. Therefore, it has been classified as a Variant of Uncertain Significance. Algorithms developed to predict the effect of missense changes on protein structure and function (SIFT, PolyPhen-2, Align-GVGD) all suggest that this variant is likely to be tolerated. This variant is not present in population databases (ExAC no frequency). This sequence change replaces lysine with glutamic acid at codon 1695 of the VPS13C protein (p.Lys1695Glu). The lysine residue is weakly conserved and there is a small physicochemical difference between lysine and glutamic acid.

Ambry Genetics
Classification: Uncertain significance for Inborn genetic diseases. Last evaluated: 2021-07-06. Review status: criteria provided, single submitter. Criteria: Ambry Variant Classification Scheme 2023. Collection method: clinical testing. Allele origin: germline.